The following is an entry in ClinVar:

ClinVar aggregate classification (germline): Uncertain significance. Review status: criteria provided, multiple submitters, no conflicts (2 of 4 stars). 2 submissions from 2 submitters: Uncertain significance (2). Last evaluated 2025-03-06.

Conditions:
Hereditary cancer-predisposing syndrome. Also called: Neoplastic Syndromes, Hereditary; Tumor predisposition; Hereditary neoplastic syndrome; Hereditary Cancer Syndrome. Identifiers: Orphanet 140162, MedGen C0027672, MeSH D009386, MONDO:0015356.

Allele frequency attached by ClinVar (database versions not stated): gnomAD 0.00001.
gnomAD v4.1: 1 of 1,614,060 alleles (0.000062%); highest among the groups gnomAD compares: East Asian, 0.0022%; no homozygotes.

Submissions (2):

Ambry Genetics
Classification: Uncertain significance for Hereditary cancer-predisposing syndrome. Last evaluated: 2025-03-06. Review status: criteria provided, single submitter. Criteria: Ambry Variant Classification Scheme 2023. Collection method: clinical testing. Allele origin: germline.
Comment: The p.P134L variant (also known as c.401C>T), located in coding exon 1 of the HOXB13 gene, results from a C to T substitution at nucleotide position 401. The proline at codon 134 is replaced by leucine, an amino acid with similar properties. This amino acid position is conserved. In addition, the in silico prediction for this alteration is inconclusive. Based on the available evidence, the clinical significance of this variant remains unclear.

Labcorp Genetics (formerly Invitae), Labcorp
Classification: Uncertain significance. Last evaluated: 2021-06-26. Review status: criteria provided, single submitter. Criteria: Invitae Variant Classification Sherloc (09022015). Collection method: clinical testing. Allele origin: germline.
Comment: This variant has not been reported in the literature in individuals with HOXB13-related conditions. Algorithms developed to predict the effect of missense changes on protein structure and function (SIFT, PolyPhen-2, Align-GVGD) all suggest that this variant is likely to be tolerated, but these predictions have not been confirmed by published functional studies and their clinical significance is uncertain. In summary, the available evidence is currently insufficient to determine the role of this variant in disease. Therefore, it has been classified as a Variant of Uncertain Significance. This sequence change replaces proline with leucine at codon 134 of the HOXB13 protein (p.Pro134Leu). The proline residue is moderately conserved and there is a moderate physicochemical difference between proline and leucine. This variant is not present in population databases (ExAC no frequency).

NM_006361.6(HOXB13):c.401C>T (p.Pro134Leu)

Gene: HOXB13 (homeobox B13; minus strand). Cytogenetic location: 17q21.32.
Variant type: single nucleotide variant.
Coding change: c.401C>T on transcript NM_006361.6 (MANE Select); coding-DNA position 401, C replaced by T.
Protein change: p.Pro134Leu; replaces proline 134 with leucine.
Molecular consequence: missense variant.
Genome position (GRCh38, 1-based): chr17:48,728,193, G>A on the plus strand (C>T on the coding strand, the complement: HOXB13 is on the minus strand). VCF-style: chr17-48728193-G-A. GRCh37 (hg19) VCF-style: chr17-46805555-G-A.
Other names: c.401C>T (NM_006361.5); short protein forms P134L.
Identifiers: ClinVar variation 1387822 (VCV001387822.9), dbSNP rs1597934280, ClinGen allele CA400107530.